The following is an entry in ClinVar:

ClinVar aggregate classification (germline): Conflicting classifications of pathogenicity. Review status: criteria provided, conflicting classifications (1 of 4 stars). 2 submissions from 2 submitters: Uncertain significance (1); Likely benign (1). Last evaluated 2022-09-01.

Conditions:
Inborn genetic diseases. Identifiers: MedGen C0950123, MeSH D030342.

Allele frequency attached by ClinVar (database versions not stated): gnomAD exomes 0.00001; ExAC 0.00005; ESP Exome Variant Server 0.00008; TOPMed 0.00012; gnomAD 0.00015; 1000 Genomes Project 30x 0.00078; 1000 Genomes Project 0.00080.
gnomAD v4.1: 38 of 1,613,706 alleles (0.0024%); highest among the groups gnomAD compares: African/African-American, 0.045%; no homozygotes.

Submissions (2):

CeGaT Center for Human Genetics Tuebingen
Classification: Likely benign. Last evaluated: 2022-09-01. Review status: criteria provided, single submitter. Criteria: CeGaT Center For Human Genetics Tuebingen Variant Classification Criteria Version 2. Collection method: clinical testing. Allele origin: germline. Affected: yes. Observed: 1 variant allele.
Comment: FLG: BP4

Ambry Genetics
Classification: Uncertain significance for Inborn genetic diseases. Last evaluated: 2021-09-16. Review status: criteria provided, single submitter. Criteria: Ambry Variant Classification Scheme 2023. Collection method: clinical testing. Allele origin: germline.

NM_002016.2(FLG):c.5401T>C (p.Ser1801Pro)

Genes: CCDST (cervical cancer associated DHX9 suppressive transcript; plus strand), FLG (filaggrin; minus strand). Cytogenetic location: 1q21.3.
Variant type: single nucleotide variant.
Coding change: c.5401T>C on transcript NM_002016.2 (MANE Select); coding-DNA position 5401, T replaced by C.
Protein change: p.Ser1801Pro; replaces serine 1801 with proline.
Molecular consequence: missense variant.
Genome position (GRCh38, 1-based): chr1:152,309,485, A>G on the plus strand (T>C on the coding strand, the complement: FLG is on the minus strand). VCF-style: chr1-152309485-A-G. GRCh37 (hg19) VCF-style: chr1-152281961-A-G.
Other names: short protein forms S1801P.
Identifiers: ClinVar variation 2359868 (VCV002359868.26), dbSNP rs373536239, ClinGen allele CA1105778.